The following is an entry in ClinVar:

ClinVar aggregate classification (germline): Uncertain significance (1 of 4 stars; one submission).

Allele frequency attached by ClinVar (database versions not stated): gnomAD 0.00001.
gnomAD v4.1: 25 of 1,523,726 alleles (0.0016%); highest among the groups gnomAD compares: Non-Finnish European, 0.0021%; no homozygotes.

Submission:

Labcorp Genetics (formerly Invitae), Labcorp
Classification: Uncertain significance. Last evaluated: 2022-08-16. Review status: criteria provided, single submitter. Criteria: Invitae Variant Classification Sherloc (09022015). Collection method: clinical testing. Allele origin: germline.
Comment: In summary, the available evidence is currently insufficient to determine the role of this variant in disease. Therefore, it has been classified as a Variant of Uncertain Significance. Variants that disrupt the consensus splice site are a relatively common cause of aberrant splicing (PMID: 17576681, 9536098). Algorithms developed to predict the effect of sequence changes on RNA splicing suggest that this variant is not likely to affect RNA splicing. This variant has not been reported in the literature in individuals affected with UNC80-related conditions. The frequency data for this variant in the population databases is considered unreliable, as metrics indicate poor data quality at this position in the gnomAD database. This sequence change falls in intron 58 of the UNC80 gene. It does not directly change the encoded amino acid sequence of the UNC80 protein. It affects a nucleotide within the consensus splice site.

Literature cited by the submitters: PubMed 17576681; PubMed 9536098.

NM_001371986.1(UNC80):c.9118+4G>T

Gene: UNC80 (unc-80 subunit of NALCN channel complex; plus strand). Cytogenetic location: 2q34.
Variant type: single nucleotide variant.
Coding change: c.9118+4G>T on transcript NM_001371986.1 (MANE Select); 4 bases into the intron after coding-DNA position 9118, G replaced by T.
Molecular consequence: intron variant.
Genome position (GRCh38, 1-based): chr2:209,978,712, G>T. VCF-style: chr2-209978712-G-T. GRCh37 (hg19) VCF-style: chr2-210843436-G-T.
Other names: c.8920+4G>T (NM_032504.2); c.8905+4G>T (NM_182587.4).
Identifiers: ClinVar variation 1960401 (VCV001960401.5), dbSNP rs564603414, ClinGen allele CA64659371.